The following is an entry in ClinVar:

ClinVar aggregate classification (germline): Conflicting classifications of pathogenicity. Review status: criteria provided, conflicting classifications (1 of 4 stars). 6 submissions from 6 submitters: Uncertain significance (2); Likely benign (3). 1 of the submissions does not count toward it. Last evaluated 2025-12-03.

Conditions:
NEB-related disorder. Also called: NEB-Related Disorders; NEB-related condition.
Nemaline myopathy 2 (NEM2). Also called: Nemaline myopathy 2, autosomal recessive. Identifiers: MedGen C1850569, MONDO:0009725, OMIM 256030.

Allele frequency attached by ClinVar (database versions not stated): gnomAD 0.00003; gnomAD exomes 0.00010 and 0.00026; ExAC 0.00011; TOPMed 0.00018; ESP Exome Variant Server 0.00033.
gnomAD v4.1: 394 of 1,606,870 alleles (0.025%); highest among the groups gnomAD compares: Non-Finnish European, 0.032%; no homozygotes.

Submissions (6):

Labcorp Genetics (formerly Invitae), Labcorp
Classification: Likely benign for Nemaline myopathy 2. Last evaluated: 2025-12-03. Review status: criteria provided, single submitter. Criteria: Invitae Variant Classification Sherloc (09022015). Collection method: clinical testing. Allele origin: germline.

Blueprint Genetics
Classification: Likely benign. Last evaluated: 2024-07-04. Review status: criteria provided, single submitter. Criteria: ACMG Guidelines, 2015. Collection method: clinical testing. Allele origin: germline.

GeneDx
Classification: Likely benign. Last evaluated: 2021-06-22. Review status: criteria provided, single submitter. Criteria: GeneDx Variant Classification Process June 2021. Collection method: clinical testing. Allele origin: germline. Affected: yes.

Illumina Laboratory Services, Illumina
Classification: Uncertain significance for Nemaline myopathy 2. Last evaluated: 2018-01-17. Review status: criteria provided, single submitter. Criteria: ICSL Variant Classification Criteria 13 December 2019. Collection method: clinical testing. Allele origin: germline.

Eurofins Ntd Llc (ga)
Classification: Uncertain significance. Last evaluated: 2017-04-06. Review status: criteria provided, single submitter. Criteria: EGL Classification Definitions 2015. Collection method: clinical testing. Allele origin: germline. Observed: 2 variant alleles, 2 heterozygotes.

PreventionGenetics, part of Exact Sciences
Classification: Likely benign for NEB-related condition. Last evaluated: 2019-05-22. Review status: no assertion criteria provided. Collection method: clinical testing. Allele origin: germline. Not counted in ClinVar's aggregate classification.
Comment: This variant is classified as likely benign based on ACMG/AMP sequence variant interpretation guidelines (Richards et al. 2015 PMID: 25741868, with internal and published modifications).

NM_001164508.2(NEB):c.18786C>T (p.Tyr6262=)

Gene: NEB (nebulin; minus strand). Cytogenetic location: 2q23.3.
Variant type: single nucleotide variant.
Coding change: c.18786C>T on transcript NM_001164508.2 (MANE Select); coding-DNA position 18786, C replaced by T.
Protein change: p.Tyr6262=; no amino-acid change (tyrosine 6262 retained).
Molecular consequence: synonymous variant.
Genome position (GRCh38, 1-based): chr2:151,562,716, G>A on the plus strand (C>T on the coding strand, the complement: NEB is on the minus strand). VCF-style: chr2-151562716-G-A. GRCh37 (hg19) VCF-style: chr2-152419230-G-A.
Other names: c.18786C>T, p.Tyr6262= (NM_001164507.2, NM_001271208.2); c.13683C>T, p.Tyr4561= (NM_004543.5).
Identifiers: ClinVar variation 199222 (VCV000199222.25), dbSNP rs374874999, ClinGen allele CA248309.